The following is an entry in ClinVar:

ClinVar aggregate classification (germline): Uncertain significance (1 of 4 stars; one submission).

Conditions:
RASopathy. Also called: rasopathies; Noonan spectrum disorder. Identifiers: Orphanet 536391, MedGen C5555857, MONDO:0021060.

Submission:

Labcorp Genetics (formerly Invitae), Labcorp
Classification: Uncertain significance for RASopathy. Last evaluated: 2025-11-17. Review status: criteria provided, single submitter. Criteria: Invitae Variant Classification Sherloc (09022015). Collection method: clinical testing. Allele origin: germline.
Comment: This sequence change replaces proline, which is neutral and non-polar, with serine, which is neutral and polar, at codon 582 of the CBL protein (p.Pro582Ser). This variant is not present in population databases (gnomAD no frequency). This variant has not been reported in the literature in individuals affected with CBL-related conditions. Invitae Evidence Modeling of protein sequence and biophysical properties (such as structural, functional, and spatial information, amino acid conservation, physicochemical variation, residue mobility, and thermodynamic stability) indicates that this missense variant is not expected to disrupt CBL protein function with a negative predictive value of 95%. In summary, the available evidence is currently insufficient to determine the role of this variant in disease. Therefore, it has been classified as a Variant of Uncertain Significance.

NM_005188.4(CBL):c.1744C>T (p.Pro582Ser)

Gene: CBL (Cbl proto-oncogene; plus strand). Cytogenetic location: 11q23.3.
Variant type: single nucleotide variant.
Coding change: c.1744C>T on transcript NM_005188.4 (MANE Select); coding-DNA position 1744, C replaced by T.
Protein change: p.Pro582Ser; replaces proline 582 with serine.
Molecular consequence: missense variant.
Genome position (GRCh38, 1-based): chr11:119,285,369, C>T. VCF-style: chr11-119285369-C-T. GRCh37 (hg19) VCF-style: chr11-119156079-C-T.
Other names: short protein forms P582S.
Identifiers: ClinVar variation 4764873 (VCV004764873.1).